The following is an entry in ClinVar:

ClinVar aggregate classification (germline): Uncertain significance (1 of 4 stars; one submission).

Conditions:
Ehlers-Danlos syndrome, classic type, 1 (EDSCL1). Also called: EDS I; EHLERS-DANLOS SYNDROME, GRAVIS TYPE; EHLERS-DANLOS SYNDROME, SEVERE CLASSIC TYPE; Ehlers-Danlos syndrome, type 1; Ehlers-Danlos Syndrome, Classic Type, COL5A1-Related. Identifiers: MedGen C0268335, MONDO:0019567, OMIM 130000.

gnomAD v4.1: 9 of 1,607,494 alleles (0.00056%); highest among the groups gnomAD compares: Non-Finnish European, 0.00076%; no homozygotes.

Submission:

Labcorp Genetics (formerly Invitae), Labcorp
Classification: Uncertain significance for Ehlers-Danlos syndrome, classic type, 1. Last evaluated: 2023-11-24. Review status: criteria provided, single submitter. Criteria: Invitae Variant Classification Sherloc (09022015). Collection method: clinical testing. Allele origin: germline.
Comment: This sequence change replaces proline, which is neutral and non-polar, with threonine, which is neutral and polar, at codon 1112 of the COL5A2 protein (p.Pro1112Thr). This variant is not present in population databases (gnomAD no frequency). This variant has not been reported in the literature in individuals affected with COL5A2-related conditions. Advanced modeling of protein sequence and biophysical properties (such as structural, functional, and spatial information, amino acid conservation, physicochemical variation, residue mobility, and thermodynamic stability) performed at Invitae indicates that this missense variant is not expected to disrupt COL5A2 protein function with a negative predictive value of 80%. In summary, the available evidence is currently insufficient to determine the role of this variant in disease. Therefore, it has been classified as a Variant of Uncertain Significance.

NM_000393.5(COL5A2):c.3334C>A (p.Pro1112Thr)

Gene: COL5A2 (collagen type V alpha 2 chain; minus strand). Cytogenetic location: 2q32.2.
Variant type: single nucleotide variant.
Coding change: c.3334C>A on transcript NM_000393.5 (MANE Select); coding-DNA position 3334, C replaced by A.
Protein change: p.Pro1112Thr; replaces proline 1112 with threonine.
Molecular consequence: missense variant.
Genome position (GRCh38, 1-based): chr2:189,045,208, G>T on the plus strand (C>A on the coding strand, the complement: COL5A2 is on the minus strand). VCF-style: chr2-189045208-G-T. GRCh37 (hg19) VCF-style: chr2-189909934-G-T.
Other names: short protein forms P1112T.
Identifiers: ClinVar variation 2966681 (VCV002966681.3), dbSNP rs553087567, ClinGen allele CA349862241.